The following is an entry in ClinVar:

NM_001130144.3(LTBP3):c.3027G>A (p.Lys1009=)

Genes: LTBP3 (latent transforming growth factor beta binding protein 3; minus strand), LOC121832793 (Sharpr-MPRA regulatory region 4001; plus strand). Cytogenetic location: 11q13.1.
Variant type: single nucleotide variant.
Coding change: c.3027G>A on transcript NM_001130144.3 (MANE Select); coding-DNA position 3027, G replaced by A.
Protein change: p.Lys1009=; no amino-acid change (lysine 1009 retained).
Molecular consequence: synonymous variant.
Genome position (GRCh38, 1-based): chr11:65,540,565, C>T on the plus strand (G>A on the coding strand, the complement: LTBP3 is on the minus strand). VCF-style: chr11-65540565-C-T. GRCh37 (hg19) VCF-style: chr11-65308036-C-T.
Other names: c.2676G>A, p.Lys892= (NM_001164266.1); c.3027G>A, p.Lys1009= (NM_021070.4); c.3027G>A (NM_001130144.2).
Identifiers: ClinVar variation 2157900 (VCV002157900.27), dbSNP rs989924258, ClinGen allele CA224009820.
Genomic context (GRCh38, chr11:65,540,565, plus strand): 5'-CCCGTCGTAGTAGAAGCCCTGCTTGCAGTAGCACTCGTAGCCAGGCTGCGTGTTCACGCA[C>T]TTGCCCTCCTTGCAAATCTCCGACCCGAACAACATGCACTCGTCGATGTCTGCGGGGTGA-3'
Protein context (NP_001123616.1, residues 999-1019): LFGSEICKEG[Lys1009=]CVNTQPGYEC

ClinVar aggregate classification (germline): Likely benign. Review status: criteria provided, multiple submitters, no conflicts (2 of 4 stars). 3 submissions from 3 submitters: Likely benign (3). Last evaluated 2024-04-01.

Conditions:
Brachyolmia-amelogenesis imperfecta syndrome. Also called: PLATYSPONDYLY WITH AMELOGENESIS IMPERFECTA; Tooth agenesis, selective, 6; Dental anomalies and short stature. Identifiers: Orphanet 2899, MedGen C1832594, MONDO:0011018, OMIM 601216. Disease mechanism: loss of function.
Inborn genetic diseases. Identifiers: MedGen C0950123, MeSH D030342.

Allele frequency attached by ClinVar (database versions not stated): gnomAD exomes below 0.00001; TOPMed below 0.00001.

Submissions (3):

Ambry Genetics
Classification: Likely benign for Inborn genetic diseases. Last evaluated: 2024-04-01. Review status: criteria provided, single submitter. Criteria: Ambry Variant Classification Scheme 2023. Collection method: clinical testing. Allele origin: germline.

CeGaT Center for Human Genetics Tuebingen
Classification: Likely benign. Last evaluated: 2023-12-01. Review status: criteria provided, single submitter. Criteria: CeGaT Center For Human Genetics Tuebingen Variant Classification Criteria Version 2. Collection method: clinical testing. Allele origin: germline. Affected: yes. Observed: 1 variant allele.
Comment: LTBP3: PM2:Supporting, BP4, BP7

Labcorp Genetics (formerly Invitae), Labcorp
Classification: Likely benign for Brachyolmia-amelogenesis imperfecta syndrome. Last evaluated: 2022-06-22. Review status: criteria provided, single submitter. Criteria: Invitae Variant Classification Sherloc (09022015). Collection method: clinical testing. Allele origin: germline.